The following is an entry in ClinVar:

NM_145239.3(PRRT2):c.172C>T (p.Pro58Ser)

Genes: MVP-DT (MVP divergent transcript; minus strand), PRRT2 (proline rich transmembrane protein 2; plus strand). Cytogenetic location: 16p11.2.
Variant type: single nucleotide variant.
Coding change: c.172C>T on transcript NM_145239.3 (MANE Select); coding-DNA position 172, C replaced by T.
Protein change: p.Pro58Ser; replaces proline 58 with serine.
Molecular consequence: missense variant.
Genome position (GRCh38, 1-based): chr16:29,813,226, C>T. VCF-style: chr16-29813226-C-T. GRCh37 (hg19) VCF-style: chr16-29824547-C-T.
Other names: c.172C>T (NM_001256442.1, NM_145239.2); c.172C>T, p.Pro58Ser (NM_001256442.2, NM_001256443.2); short protein forms P58S.
Identifiers: ClinVar variation 1445385 (VCV001445385.11), dbSNP rs540005714, ClinGen allele CA395477549.
Genomic context (GRCh38, chr16:29,813,226, plus strand): 5'-CTAGCAGGGGTACCAGACCAGCCAGAGGCCCCGCAGCCAGGTCCAAACACCACTGCGGCC[C>T]CTGTGGACTCAGGGCCCAAGGCTGGGCTGGCTCCAGAAACCACAGAGACCCCGGCTGGGG-3'
Protein context (NP_660282.2, residues 48-68): PQPGPNTTAA[Pro58Ser]VDSGPKAGLA

ClinVar aggregate classification (germline): Uncertain significance. Review status: criteria provided, multiple submitters, no conflicts (2 of 4 stars). 4 submissions from 4 submitters: Uncertain significance (3). 1 of the submissions does not count toward it. Last evaluated 2026-02-16.

Conditions:
Inborn genetic diseases. Identifiers: MedGen C0950123, MeSH D030342.
PRRT2-Related Disorder. Also called: PRRT2-related disorders. Identifiers: MedGen CN381059.
Episodic kinesigenic dyskinesia (EKD). Also called: Paroxysmal kinesigenic dyskinesia. Identifiers: Orphanet 98809, MedGen C1868682, MONDO:0044202.

Submissions (4):

Women's Health and Genetics/Laboratory Corporation of America, LabCorp
Classification: Uncertain significance. Last evaluated: 2026-02-16. Review status: criteria provided, single submitter. Criteria: LabCorp Variant Classification Summary - May 2015. Collection method: clinical testing. Allele origin: germline.
Comment: Variant summary: PRRT2 c.172C>T (p.Pro58Ser) results in a non-conservative amino acid change in the encoded protein sequence. Algorithms developed to predict the effect of missense changes on protein structure and function are either unavailable or do not agree on the potential impact of this missense change. The variant was absent in 249634 control chromosomes. The available data on variant occurrences in the general population are insufficient to allow any conclusion about variant significance. To our knowledge, no occurrence of c.172C>T in individuals affected with PRRT2-related conditions and no experimental evidence demonstrating its impact on protein function have been reported. ClinVar contains an entry for this variant (Variation ID: 1445385). Based on the evidence outlined above, the variant was classified as uncertain significance.

Ambry Genetics
Classification: Uncertain significance for Inborn genetic diseases. Last evaluated: 2025-04-12. Review status: criteria provided, single submitter. Criteria: Ambry Variant Classification Scheme 2023. Collection method: clinical testing. Allele origin: germline.

Labcorp Genetics (formerly Invitae), Labcorp
Classification: Uncertain significance for Episodic kinesigenic dyskinesia. Last evaluated: 2023-10-07. Review status: criteria provided, single submitter. Criteria: Invitae Variant Classification Sherloc (09022015). Collection method: clinical testing. Allele origin: germline.
Comment: This sequence change replaces proline, which is neutral and non-polar, with serine, which is neutral and polar, at codon 58 of the PRRT2 protein (p.Pro58Ser). This variant is not present in population databases (gnomAD no frequency). This variant has not been reported in the literature in individuals affected with PRRT2-related conditions. ClinVar contains an entry for this variant (Variation ID: 1445385). Advanced modeling of protein sequence and biophysical properties (such as structural, functional, and spatial information, amino acid conservation, physicochemical variation, residue mobility, and thermodynamic stability) performed at Invitae indicates that this missense variant is not expected to disrupt PRRT2 protein function. In summary, the available evidence is currently insufficient to determine the role of this variant in disease. Therefore, it has been classified as a Variant of Uncertain Significance.

PreventionGenetics, part of Exact Sciences
Classification: Uncertain significance for PRRT2-related condition. Last evaluated: 2024-08-07. Review status: no assertion criteria provided. Collection method: clinical testing. Allele origin: germline. Not counted in ClinVar's aggregate classification.
Comment: The PRRT2 c.172C>T variant is predicted to result in the amino acid substitution p.Pro58Ser. To our knowledge, this variant has not been reported in the literature or in a large population database, indicating this variant is rare. At this time, the clinical significance of this variant is uncertain due to the absence of conclusive functional and genetic evidence.